The following is an entry in ClinVar:

NM_012096.3(APPL1):c.1575G>C (p.Met525Ile)

Gene: APPL1 (adaptor protein, phosphotyrosine interacting with PH domain and leucine zipper 1; plus strand). Cytogenetic location: 3p14.3.
Variant type: single nucleotide variant.
Coding change: c.1575G>C on transcript NM_012096.3 (MANE Select); coding-DNA position 1575, G replaced by C.
Protein change: p.Met525Ile; replaces methionine 525 with isoleucine.
Molecular consequence: missense variant.
Genome position (GRCh38, 1-based): chr3:57,259,936, G>C. VCF-style: chr3-57259936-G-C. GRCh37 (hg19) VCF-style: chr3-57293964-G-C.
Other names: c.1575G>C (NM_012096.2); short protein forms M525I.
Identifiers: ClinVar variation 2972243 (VCV002972243.4), dbSNP rs763536989, ClinGen allele CA2463867.

ClinVar aggregate classification (germline): Uncertain significance. Review status: criteria provided, multiple submitters, no conflicts (2 of 4 stars). 2 submissions from 2 submitters: Uncertain significance (2). Last evaluated 2025-04-01.

Allele frequency attached by ClinVar (database versions not stated): gnomAD exomes 0.00002; gnomAD 0.00003; ExAC 0.00004.
gnomAD v4.1: 34 of 1,613,754 alleles (0.0021%); highest among the groups gnomAD compares: Non-Finnish European, 0.0027%; no homozygotes.

Submissions (2):

Ambry Genetics
Classification: Uncertain significance. Last evaluated: 2025-04-01. Review status: criteria provided, single submitter. Criteria: Ambry Variant Classification Scheme 2023. Collection method: clinical testing. Allele origin: germline.

Labcorp Genetics (formerly Invitae), Labcorp
Classification: Uncertain significance. Last evaluated: 2025-01-13. Review status: criteria provided, single submitter. Criteria: Invitae Variant Classification Sherloc (09022015). Collection method: clinical testing. Allele origin: germline.
Comment: This sequence change replaces methionine, which is neutral and non-polar, with isoleucine, which is neutral and non-polar, at codon 525 of the APPL1 protein (p.Met525Ile). This variant is present in population databases (rs763536989, gnomAD 0.008%). This variant has not been reported in the literature in individuals affected with APPL1-related conditions. ClinVar contains an entry for this variant (Variation ID: 2972243). Invitae Evidence Modeling of protein sequence and biophysical properties (such as structural, functional, and spatial information, amino acid conservation, physicochemical variation, residue mobility, and thermodynamic stability) indicates that this missense variant is not expected to disrupt APPL1 protein function with a negative predictive value of 80%. In summary, the available evidence is currently insufficient to determine the role of this variant in disease. Therefore, it has been classified as a Variant of Uncertain Significance.